The following is an entry in ClinVar:

NM_002880.4(RAF1):c.974A>C (p.Gln325Pro)

Gene: RAF1 (Raf-1 proto-oncogene, serine/threonine kinase; minus strand). Cytogenetic location: 3p25.2.
Variant type: single nucleotide variant.
Coding change: c.974A>C on transcript NM_002880.4 (MANE Select); coding-DNA position 974, A replaced by C.
Protein change: p.Gln325Pro; replaces glutamine 325 with proline.
Molecular consequence: missense variant. On other transcripts: non-coding transcript variant (3).
Genome position (GRCh38, 1-based): chr3:12,600,168, T>G on the plus strand (A>C on the coding strand, the complement: RAF1 is on the minus strand). VCF-style: chr3-12600168-T-G. GRCh37 (hg19) VCF-style: chr3-12641667-T-G.
Other names: c.1034A>C, p.Gln345Pro (NM_001354689.3); c.974A>C, p.Gln325Pro (NM_001354690.3); c.731A>C, p.Gln244Pro (NM_001354691.3, NM_001354692.3); c.875A>C, p.Gln292Pro (NM_001354693.3); c.791A>C, p.Gln264Pro (NM_001354694.3); c.632A>C, p.Gln211Pro (NM_001354695.3); short protein forms Q325P, Q211P, Q244P, Q264P, Q345P, Q292P.
Identifiers: ClinVar variation 372939 (VCV000372939.2), dbSNP rs764719098, ClinGen allele CA2259620.

ClinVar aggregate classification (germline): Uncertain significance. Review status: criteria provided, multiple submitters, no conflicts (2 of 4 stars). 2 submissions from 2 submitters: Uncertain significance (2). Last evaluated 2023-12-18.

Conditions:
Cardiovascular phenotype. Identifiers: MedGen CN230736.

Allele frequency attached by ClinVar (database versions not stated): TOPMed below 0.00001; gnomAD 0.00001; gnomAD exomes 0.00001 and 0.00002; ExAC 0.00002.
gnomAD v4.1: 17 of 1,614,054 alleles (0.0011%); highest among the groups gnomAD compares: Admixed American, 0.0033%; no homozygotes.

Submissions (2):

Ambry Genetics
Classification: Uncertain significance for Cardiovascular phenotype. Last evaluated: 2023-12-18. Review status: criteria provided, single submitter. Criteria: Ambry Variant Classification Scheme 2023. Collection method: clinical testing. Allele origin: germline.
Comment: The p.Q325P variant (also known as c.974A>C), located in coding exon 8 of the RAF1 gene, results from an A to C substitution at nucleotide position 974. The glutamine at codon 325 is replaced by proline, an amino acid with similar properties. This alteration has been reported in a pediatric cardiomyopathy cohort (Lopes LR et al. Eur Heart J, 2021 Aug;42:3063-3073). This amino acid position is highly conserved in available vertebrate species. In addition, the in silico prediction for this alteration is inconclusive. Since supporting evidence is limited at this time, the clinical significance of this alteration remains unclear.

GeneDx
Classification: Uncertain significance. Last evaluated: 2016-05-02. Review status: criteria provided, single submitter. Criteria: GeneDx Variant Classification (06012015). Collection method: clinical testing. Allele origin: germline. Affected: yes.
Comment: The Q325P variant has not been published as a pathogenic variant, nor has it been reported as a benign polymorphism to our knowledge. It was not observed with any significant frequency in approximately 6,500 individuals of European and African American ancestry in the NHLBI Exome Sequencing Project. The Q325P variant is a non-conservative amino acid substitution, which is likely to impact secondary protein structure as these residues differ in polarity, charge, size and/or other properties. This substitution occurs at a position that is conserved across species. In silico analysis is inconsistent in its predictions as to whether or not the variant is damaging to the protein structure/function. Therefore, based on the currently available information, it is unclear whether this variant is a pathogenic variant or a rare benign variant.

Literature cited by the submitters: PubMed 34263907 (cited by Ambry Genetics).